The following is an entry in ClinVar:

ClinVar aggregate classification (germline): Conflicting classifications of pathogenicity. Review status: criteria provided, conflicting classifications (1 of 4 stars). 6 submissions from 6 submitters: Uncertain significance (1); Benign (1); Likely benign (4). Last evaluated 2026-03-31.

Conditions:
Familial thoracic aortic aneurysm and aortic dissection (TAAD). Also called: Thoracic aortic aneurysms and dissections. Identifiers: Orphanet 91387, MedGen C4707243, MONDO:0019625.
Ehlers-Danlos syndrome, classic type, 1 (EDSCL1). Also called: EHLERS-DANLOS SYNDROME, GRAVIS TYPE; EHLERS-DANLOS SYNDROME, SEVERE CLASSIC TYPE; EDS I; Ehlers-Danlos Syndrome, Classic Type, COL5A1-Related; Ehlers-Danlos syndrome, type 1. Identifiers: MedGen C0268335, MONDO:0019567, OMIM 130000.

Allele frequency attached by ClinVar (database versions not stated): gnomAD exomes 0.00004 and 0.00006; ExAC 0.00007; TOPMed 0.00022; gnomAD 0.00020 and 0.00022.
gnomAD v4.1: 90 of 1,608,926 alleles (0.0056%); highest among the groups gnomAD compares: African/African-American, 0.074%; no homozygotes.

Submissions (6):

Women's Health and Genetics/Laboratory Corporation of America, LabCorp
Classification: Benign. Last evaluated: 2026-03-31. Review status: criteria provided, single submitter. Criteria: LabCorp Variant Classification Summary - May 2015. Collection method: clinical testing. Allele origin: germline.

Labcorp Genetics (formerly Invitae), Labcorp
Classification: Likely benign for Ehlers-Danlos syndrome, classic type, 1. Last evaluated: 2025-12-16. Review status: criteria provided, single submitter. Criteria: Invitae Variant Classification Sherloc (09022015). Collection method: clinical testing. Allele origin: germline.

Mayo Clinic Laboratories, Mayo Clinic
Classification: Likely benign. Last evaluated: 2025-10-20. Review status: criteria provided, single submitter. Criteria: ACMG Guidelines, 2015. Collection method: clinical testing. Allele origin: germline. Observed: 1 variant allele.
Comment: BS1, BP4, BP7

Ambry Genetics
Classification: Likely benign for Familial thoracic aortic aneurysm and aortic dissection. Last evaluated: 2019-07-16. Review status: criteria provided, single submitter. Criteria: Ambry Variant Classification Scheme 2023. Collection method: clinical testing. Allele origin: germline.

GeneDx
Classification: Likely benign. Last evaluated: 2018-01-10. Review status: criteria provided, single submitter. Criteria: GeneDx Variant Classification (06012015). Collection method: clinical testing. Allele origin: germline. Affected: yes.
Comment: This variant is considered likely benign or benign based on one or more of the following criteria: it is a conservative change, it occurs at a poorly conserved position in the protein, it is predicted to be benign by multiple in silico algorithms, and/or has population frequency not consistent with disease.

Eurofins Ntd Llc (ga)
Classification: Uncertain significance. Last evaluated: 2017-04-24. Review status: criteria provided, single submitter. Criteria: EGL Classification Definitions 2015. Collection method: clinical testing. Allele origin: germline. Observed: 1 variant allele, 1 heterozygote.

NM_000393.5(COL5A2):c.2103C>T (p.Pro701=)

Gene: COL5A2 (collagen type V alpha 2 chain; minus strand). Cytogenetic location: 2q32.2.
Variant type: single nucleotide variant.
Coding change: c.2103C>T on transcript NM_000393.5 (MANE Select); coding-DNA position 2103, C replaced by T.
Protein change: p.Pro701=; no amino-acid change (proline 701 retained).
Molecular consequence: synonymous variant.
Genome position (GRCh38, 1-based): chr2:189,058,876, G>A on the plus strand (C>T on the coding strand, the complement: COL5A2 is on the minus strand). VCF-style: chr2-189058876-G-A. GRCh37 (hg19) VCF-style: chr2-189923602-G-A.
Other names: p.Pro701=.
Identifiers: ClinVar variation 501572 (VCV000501572.18), dbSNP rs376612765, ClinGen allele CA2022445.